The following is an entry in ClinVar:

NM_012281.3(KCND2):c.1217T>C (p.Val406Ala)

Gene: KCND2 (potassium voltage-gated channel subfamily D member 2; plus strand). Cytogenetic location: 7q31.31.
Variant type: single nucleotide variant.
Coding change: c.1217T>C on transcript NM_012281.3 (MANE Select); coding-DNA position 1217, T replaced by C.
Protein change: p.Val406Ala; replaces valine 406 with alanine.
Molecular consequence: missense variant.
Genome position (GRCh38, 1-based): chr7:120,733,004, T>C. VCF-style: chr7-120733004-T-C. GRCh37 (hg19) VCF-style: chr7-120373058-T-C.
Other names: short protein forms V406A.
Identifiers: ClinVar variation 5037151 (VCV005037151.1).

ClinVar aggregate classification (germline): Uncertain significance (1 of 4 stars; one submission).

Submission:

GeneDx
Classification: Uncertain significance. Last evaluated: 2026-04-15. Review status: criteria provided, single submitter. Criteria: GeneDx Variant Classification Process June 2021. Collection method: clinical testing. Allele origin: germline.
Comment: Not observed at significant frequency in large population cohorts (gnomAD); In silico analysis supports that this missense variant has a deleterious effect on protein structure/function; Has not been previously published as pathogenic or benign to our knowledge